The following is an entry in ClinVar:

NM_003501.3(ACOX3):c.445A>G (p.Arg149Gly)

Gene: ACOX3 (acyl-CoA oxidase 3, pristanoyl; minus strand). Cytogenetic location: 4p16.1.
Variant type: single nucleotide variant.
Coding change: c.445A>G on transcript NM_003501.3 (MANE Select); coding-DNA position 445, A replaced by G.
Protein change: p.Arg149Gly; replaces arginine 149 with glycine.
Molecular consequence: missense variant.
Genome position (GRCh38, 1-based): chr4:8,414,862, T>C on the plus strand (A>G on the coding strand, the complement: ACOX3 is on the minus strand). VCF-style: chr4-8414862-T-C. GRCh37 (hg19) VCF-style: chr4-8416589-T-C.
Other names: c.445A>G, p.Arg149Gly (NM_001101667.2, NM_001375783.1, NM_001375785.1 and 4 more transcripts); c.373A>G, p.Arg125Gly (NM_001375784.1); c.160A>G, p.Arg54Gly (NM_001375789.1); short protein forms R125G, R149G, R54G.
Identifiers: ClinVar variation 3024969 (VCV003024969.22), dbSNP rs114127771, ClinGen allele CA2851688.

ClinVar aggregate classification (germline): Benign (1 of 4 stars; one submission).

Allele frequency attached by ClinVar (database versions not stated): ESP Exome Variant Server 0.00138; gnomAD 0.00076; gnomAD exomes 0.00078; 1000 Genomes Project 0.00080; TOPMed 0.00095; 1000 Genomes Project 30x 0.00109; ExAC 0.00119.
gnomAD v4.1: 1,327 of 1,614,152 alleles (0.082%); highest among the groups gnomAD compares: Middle Eastern, 0.87%; 10 homozygotes.

Submission:

CeGaT Center for Human Genetics Tuebingen
Classification: Benign. Last evaluated: 2024-01-01. Review status: criteria provided, single submitter. Criteria: CeGaT Center For Human Genetics Tuebingen Variant Classification Criteria Version 2. Collection method: clinical testing. Allele origin: germline. Affected: yes. Observed: 1 variant allele.
Comment: ACOX3: BS1, BS2